The following is an entry in ClinVar:

ClinVar aggregate classification (germline): Likely benign (1 of 4 stars; one submission).

gnomAD v4.1: 95 of 1,604,196 alleles (0.0059%); highest among the groups gnomAD compares: East Asian, 0.038%; 1 homozygote.

Submission:

CeGaT Center for Human Genetics Tuebingen
Classification: Likely benign. Last evaluated: 2026-03-01. Review status: criteria provided, single submitter. Criteria: CeGaT Center For Human Genetics Tuebingen Variant Classification Criteria Version 2. Collection method: clinical testing. Allele origin: germline. Affected: yes. Observed: 2 variant alleles.
Comment: PLIN4: BP4, BP7

NM_001367868.2(PLIN4):c.1815C>T (p.Leu605=)

Gene: PLIN4 (perilipin 4; minus strand). Cytogenetic location: 19p13.3.
Variant type: single nucleotide variant.
Coding change: c.1815C>T on transcript NM_001367868.2 (MANE Select); coding-DNA position 1815, C replaced by T.
Protein change: p.Leu605=; no amino-acid change (leucine 605 retained).
Molecular consequence: synonymous variant.
Genome position (GRCh38, 1-based): chr19:4,512,145, G>A on the plus strand (C>T on the coding strand, the complement: PLIN4 is on the minus strand). VCF-style: chr19-4512145-G-A. GRCh37 (hg19) VCF-style: chr19-4512157-G-A.
Other names: c.1818C>T, p.Leu606= (NM_001393888.1, NM_001393889.1); c.1815C>T, p.Leu605= (NM_001393890.1, NM_001393891.1).
Identifiers: ClinVar variation 4084028 (VCV004084028.8).